The following is an entry in ClinVar:

NM_001111.5(ADAR):c.202C>G (p.Leu68Val)

Gene: ADAR (adenosine deaminase RNA specific; minus strand). Cytogenetic location: 1q21.3.
Variant type: single nucleotide variant.
Coding change: c.202C>G on transcript NM_001111.5 (MANE Select); coding-DNA position 202, C replaced by G.
Protein change: p.Leu68Val; replaces leucine 68 with valine.
Molecular consequence: missense variant. On other transcripts: 5 prime UTR variant (6).
Genome position (GRCh38, 1-based): chr1:154,602,440, G>C on the plus strand (C>G on the coding strand, the complement: ADAR is on the minus strand). VCF-style: chr1-154602440-G-C. GRCh37 (hg19) VCF-style: chr1-154574916-G-C.
Other names: c.-684C>G (NM_001025107.3, NM_001193495.2, NM_001365048.1); c.229C>G, p.Leu77Val (NM_001365045.1); c.-548C>G (NM_001365046.1, NM_001365047.1, NM_001365049.1); c.202C>G, p.Leu68Val (NM_015840.4, NM_015841.4); short protein forms L77V, L68V.
Identifiers: ClinVar variation 1495866 (VCV001495866.7), dbSNP rs1280361409, ClinGen allele CA342605924.

ClinVar aggregate classification (germline): Uncertain significance. Review status: criteria provided, multiple submitters, no conflicts (2 of 4 stars). 2 submissions from 2 submitters: Uncertain significance (2). Last evaluated 2022-07-06.

Conditions:
Aicardi-Goutieres syndrome 6 (AGS6). Identifiers: Orphanet 51, MedGen C3539013, MONDO:0014007, OMIM 615010.
Symmetrical dyschromatosis of extremities (DSH). Also called: DYSCHROMATOSIS SYMMETRICA HEREDITARIA 1; RETICULATE ACROPIGMENTATION OF DOHI; SYMMETRIC DYSCHROMATOSIS OF THE EXTREMITIES; Dyschromatosis symmetrica hereditaria. Identifiers: Orphanet 41, MedGen C0406775, MONDO:0007483, OMIM 127400.

Allele frequency attached by ClinVar (database versions not stated): gnomAD exomes below 0.00001; TOPMed below 0.00001.
gnomAD v4.1: 4 of 1,612,312 alleles (0.00025%); highest among the groups gnomAD compares: Non-Finnish European, 0.00034%; no homozygotes.

Submissions (2):

Labcorp Genetics (formerly Invitae), Labcorp
Classification: Uncertain significance for Aicardi-Goutieres syndrome 6; Symmetrical dyschromatosis of extremities. Last evaluated: 2022-07-06. Review status: criteria provided, single submitter. Criteria: Invitae Variant Classification Sherloc (09022015). Collection method: clinical testing. Allele origin: germline.
Comment: ClinVar contains an entry for this variant (Variation ID: 1495866). This variant has not been reported in the literature in individuals affected with ADAR-related conditions. This variant is present in population databases (no rsID available, gnomAD 0.0009%). This sequence change replaces leucine, which is neutral and non-polar, with valine, which is neutral and non-polar, at codon 68 of the ADAR protein (p.Leu68Val). Algorithms developed to predict the effect of missense changes on protein structure and function output the following: SIFT: "Tolerated"; PolyPhen-2: "Benign"; Align-GVGD: "Class C0". The valine amino acid residue is found in multiple mammalian species, which suggests that this missense change does not adversely affect protein function. In summary, the available evidence is currently insufficient to determine the role of this variant in disease. Therefore, it has been classified as a Variant of Uncertain Significance.

Breakthrough Genomics
Classification: Uncertain significance. Review status: criteria provided, single submitter. Criteria: ACMG Guidelines, 2015. Collection method: not provided. Allele origin: germline. Inheritance: Autosomal recessive inheritance. Affected: yes.